The following is an entry in ClinVar:

NM_000061.3(BTK):c.1633T>C (p.Tyr545His)

Gene: BTK (Bruton tyrosine kinase; minus strand). Cytogenetic location: Xq22.1.
Variant type: single nucleotide variant.
Coding change: c.1633T>C on transcript NM_000061.3 (MANE Select); coding-DNA position 1633, T replaced by C.
Protein change: p.Tyr545His; replaces tyrosine 545 with histidine.
Molecular consequence: missense variant.
Genome position (GRCh38, 1-based): chrX:101,353,987, A>G on the plus strand (T>C on the coding strand, the complement: BTK is on the minus strand). VCF-style: chrX-101353987-A-G. GRCh37 (hg19) VCF-style: chrX-100608975-A-G.
Other names: c.1735T>C, p.Tyr579His (NM_001287344.2); c.1105T>C, p.Tyr369His (NM_001287345.2); short protein forms Y545H, Y369H, Y579H.
Identifiers: ClinVar variation 2708427 (VCV002708427.3), dbSNP rs1183974287, ClinGen allele CA413921644.

ClinVar aggregate classification (germline): Uncertain significance (1 of 4 stars; one submission).

Conditions:
X-linked agammaglobulinemia with growth hormone deficiency (IGHD3). Also called: HYPOGAMMAGLOBULINEMIA AND ISOLATED GROWTH HORMONE DEFICIENCY, X-LINKED; IGHD III; ISOLATED GROWTH HORMONE DEFICIENCY, TYPE III, WITH AGAMMAGLOBULINEMIA; AGAMMAGLOBULINEMIA AND ISOLATED GROWTH HORMONE DEFICIENCY, X-LINKED; FLEISHER SYNDROME; Isolated growth hormone deficiency type 3. Identifiers: Orphanet 231692, Orphanet 631, MedGen C0472813, MONDO:0010615, OMIM 307200.

Allele frequency attached by ClinVar (database versions not stated): TOPMed below 0.00001.

Submission:

Labcorp Genetics (formerly Invitae), Labcorp
Classification: Uncertain significance for X-linked agammaglobulinemia with growth hormone deficiency. Last evaluated: 2024-01-09. Review status: criteria provided, single submitter. Criteria: Invitae Variant Classification Sherloc (09022015). Collection method: clinical testing. Allele origin: germline.
Comment: This sequence change replaces tyrosine, which is neutral and polar, with histidine, which is basic and polar, at codon 545 of the BTK protein (p.Tyr545His). This variant is not present in population databases (gnomAD no frequency). This variant has not been reported in the literature in individuals affected with BTK-related conditions. An algorithm developed to predict the effect of missense changes on protein structure and function (PolyPhen-2) suggests that this variant is likely to be disruptive. In summary, the available evidence is currently insufficient to determine the role of this variant in disease. Therefore, it has been classified as a Variant of Uncertain Significance.